The following is an entry in ClinVar:

NM_001330691.3(CEP78):c.1491A>G (p.Ile497Met)

Gene: CEP78 (centrosomal protein 78; plus strand). Cytogenetic location: 9q21.2.
Variant type: single nucleotide variant.
Coding change: c.1491A>G on transcript NM_001330691.3 (MANE Select); coding-DNA position 1491, A replaced by G.
Protein change: p.Ile497Met; replaces isoleucine 497 with methionine.
Molecular consequence: missense variant.
Genome position (GRCh38, 1-based): chr9:78,264,182, A>G. VCF-style: chr9-78264182-A-G. GRCh37 (hg19) VCF-style: chr9-80879098-A-G.
Other names: c.1494A>G, p.Ile498Met (NM_001098802.3, NM_001349839.2, NM_001349840.2 and 1 more transcripts); c.1491A>G, p.Ile497Met (NM_001330693.3, NM_001330694.2, NM_001349838.2); short protein forms I498M, I497M.
Identifiers: ClinVar variation 1035013 (VCV001035013.6), dbSNP rs368940844, ClinGen allele CA5095279.

ClinVar aggregate classification (germline): Uncertain significance (1 of 4 stars; one submission).

Allele frequency attached by ClinVar (database versions not stated): TOPMed 0.00005; gnomAD exomes 0.00001; gnomAD 0.00003; ESP Exome Variant Server 0.00009; ExAC 0.00004.

Submission:

Labcorp Genetics (formerly Invitae), Labcorp
Classification: Uncertain significance. Last evaluated: 2022-07-12. Review status: criteria provided, single submitter. Criteria: Invitae Variant Classification Sherloc (09022015). Collection method: clinical testing. Allele origin: germline.
Comment: This variant has not been reported in the literature in individuals affected with CEP78-related conditions. In summary, the available evidence is currently insufficient to determine the role of this variant in disease. Therefore, it has been classified as a Variant of Uncertain Significance. Algorithms developed to predict the effect of missense changes on protein structure and function are either unavailable or do not agree on the potential impact of this missense change (SIFT: "Tolerated"; PolyPhen-2: "Possibly Damaging"; Align-GVGD: "Class C0"). ClinVar contains an entry for this variant (Variation ID: 1035013). This variant is present in population databases (rs368940844, gnomAD 0.02%). This sequence change replaces isoleucine, which is neutral and non-polar, with methionine, which is neutral and non-polar, at codon 498 of the CEP78 protein (p.Ile498Met).